The following is an entry in ClinVar:

NM_002843.4(PTPRJ):c.1410C>G (p.Ile470Met)

Gene: PTPRJ (protein tyrosine phosphatase receptor type J; plus strand). Cytogenetic location: 11p11.2.
Variant type: single nucleotide variant.
Coding change: c.1410C>G on transcript NM_002843.4 (MANE Select); coding-DNA position 1410, C replaced by G.
Protein change: p.Ile470Met; replaces isoleucine 470 with methionine.
Molecular consequence: missense variant.
Genome position (GRCh38, 1-based): chr11:48,130,511, C>G. VCF-style: chr11-48130511-C-G. GRCh37 (hg19) VCF-style: chr11-48152063-C-G.
Other names: c.1410C>G, p.Ile470Met (NM_001098503.2); short protein forms I470M.
Identifiers: ClinVar variation 3039529 (VCV003039529.2), dbSNP rs141853869, ClinGen allele CA5982180.

ClinVar aggregate classification (germline): Likely benign (0 of 4 stars; one submission).

Conditions:
PTPRJ-related disorder. Also called: PTPRJ-related condition.

Allele frequency attached by ClinVar (database versions not stated): 1000 Genomes Project 0.00040; 1000 Genomes Project 30x 0.00047; ESP Exome Variant Server 0.00085.
gnomAD v4.1: 1,208 of 1,613,536 alleles (0.075%); highest among the groups gnomAD compares: Middle Eastern, 0.5%; 9 homozygotes.

Submission:

PreventionGenetics, part of Exact Sciences
Classification: Likely benign for PTPRJ-related condition. Last evaluated: 2021-09-22. Review status: no assertion criteria provided. Collection method: clinical testing. Allele origin: germline.
Comment: This variant is classified as likely benign based on ACMG/AMP sequence variant interpretation guidelines (Richards et al. 2015 PMID: 25741868, with internal and published modifications).